The following is an entry in ClinVar:

ClinVar aggregate classification (germline): Pathogenic (1 of 4 stars; one submission).

Conditions:
Methylmalonic aciduria and homocystinuria type cblD (MAHCD). Also called: METHYLMALONIC ACIDEMIA, cblH TYPE; Methylmalonic aciduria with homocystinuria cblD type. Identifiers: Orphanet 622, Orphanet 79283, MedGen C1848552, MONDO:0010185, OMIM 277410.

Allele frequency attached by ClinVar (database versions not stated): gnomAD exomes below 0.00001; TOPMed 0.00001.

Submission:

Labcorp Genetics (formerly Invitae), Labcorp
Classification: Pathogenic for Methylmalonic aciduria and homocystinuria type cblD. Last evaluated: 2024-03-14. Review status: criteria provided, single submitter. Criteria: Invitae Variant Classification Sherloc (09022015). Collection method: clinical testing. Allele origin: germline.
Comment: This sequence change creates a premature translational stop signal (p.His43Argfs*16) in the MMADHC gene. It is expected to result in an absent or disrupted protein product. Loss-of-function variants in MMADHC are known to be pathogenic (PMID: 18385497). This variant is not present in population databases (gnomAD no frequency). This variant has not been reported in the literature in individuals affected with MMADHC-related conditions. ClinVar contains an entry for this variant (Variation ID: 1457271). For these reasons, this variant has been classified as Pathogenic.

Literature cited by the submitters: PubMed 18385497.

NM_015702.3(MMADHC):c.128_129del (p.His43fs)

Gene: MMADHC (metabolism of cobalamin associated D; minus strand). Cytogenetic location: 2q23.2.
Variant type: Deletion.
Coding change: c.128_129del on transcript NM_015702.3 (MANE Select); coding-DNA positions 128 to 129, 2 bases deleted (AT; older notation c.128_129delAT).
Protein change: p.His43fs; shifts the reading frame from histidine 43.
Molecular consequence: frameshift variant.
Genome position (GRCh38, 1-based): chr2:149,582,152-149,582,153, AT deleted on the plus strand (AT on the coding strand, the reverse complement: MMADHC is on the minus strand). VCF-style (leftmost placement, unchanged base first): chr2-149582151-CAT-C. GRCh37 (hg19) VCF-style: chr2-150438665-CAT-C.
Other names: short protein forms H43fs.
Identifiers: ClinVar variation 1457271 (VCV001457271.8), dbSNP rs1162948308, ClinGen allele CA758711318.